The following is an entry in ClinVar:

ClinVar aggregate classification (germline): Uncertain significance (1 of 4 stars; one submission).

Conditions:
Cornelia de Lange syndrome 1 (CDLS1). Also called: TYPUS DEGENERATIVUS AMSTELODAMENSIS; Brachmann de Lange syndrome; NIPBL-Related Cornelia de Lange Syndrome. Identifiers: Orphanet 199, MedGen C4551851, MONDO:0007387, OMIM 122470.

Submission:

Labcorp Genetics (formerly Invitae), Labcorp
Classification: Uncertain significance for Cornelia de Lange syndrome 1. Last evaluated: 2023-11-27. Review status: criteria provided, single submitter. Criteria: Invitae Variant Classification Sherloc (09022015). Collection method: clinical testing. Allele origin: germline.
Comment: This sequence change replaces aspartic acid, which is acidic and polar, with alanine, which is neutral and non-polar, at codon 334 of the NIPBL protein (p.Asp334Ala). This variant is not present in population databases (gnomAD no frequency). This variant has not been reported in the literature in individuals affected with NIPBL-related conditions. Advanced modeling of protein sequence and biophysical properties (such as structural, functional, and spatial information, amino acid conservation, physicochemical variation, residue mobility, and thermodynamic stability) has been performed at Invitae for this missense variant, however the output from this modeling did not meet the statistical confidence thresholds required to predict the impact of this variant on NIPBL protein function. In summary, the available evidence is currently insufficient to determine the role of this variant in disease. Therefore, it has been classified as a Variant of Uncertain Significance.

NM_133433.4(NIPBL):c.1001A>C (p.Asp334Ala)

Gene: NIPBL (NIPBL cohesin loading factor; plus strand). Cytogenetic location: 5p13.2.
Variant type: single nucleotide variant.
Coding change: c.1001A>C on transcript NM_133433.4 (MANE Select); coding-DNA position 1001, A replaced by C.
Protein change: p.Asp334Ala; replaces aspartic acid 334 with alanine.
Molecular consequence: missense variant.
Genome position (GRCh38, 1-based): chr5:36,975,908, A>C. VCF-style: chr5-36975908-A-C. GRCh37 (hg19) VCF-style: chr5-36976010-A-C.
Other names: c.1001A>C, p.Asp334Ala (NM_015384.5); short protein forms D334A.
Identifiers: ClinVar variation 2787311 (VCV002787311.3), dbSNP rs2479123890, ClinGen allele CA359483415.